The following is an entry in ClinVar:

ClinVar aggregate classification (germline): Likely pathogenic (1 of 4 stars; one submission).

gnomAD v4.1: 1 of 1,614,056 alleles (0.000062%); highest among the groups gnomAD compares: African/African-American, 0.0013%; no homozygotes.

Submission:

GeneDx
Classification: Likely pathogenic. Last evaluated: 2024-08-30. Review status: criteria provided, single submitter. Criteria: GeneDx Variant Classification Process June 2021. Collection method: clinical testing. Allele origin: germline. Affected: yes.
Comment: Nonsense variant predicted to result in protein truncation or nonsense mediated decay in a gene for which loss of function is a known mechanism of disease; Not observed at significant frequency in large population cohorts (gnomAD); Has not been previously published as pathogenic or benign to our knowledge

NM_015340.4(LARS2):c.1587C>G (p.Tyr529Ter)

Genes: LARS2 (leucyl-tRNA synthetase 2, mitochondrial; plus strand), LARS2-AS1 (LARS2 antisense RNA 1; minus strand). Cytogenetic location: 3p21.31.
Variant type: single nucleotide variant.
Coding change: c.1587C>G on transcript NM_015340.4 (MANE Select); coding-DNA position 1587, C replaced by G.
Protein change: p.Tyr529Ter; replaces tyrosine 529 with a stop codon.
Molecular consequence: nonsense.
Genome position (GRCh38, 1-based): chr3:45,496,338, C>G. VCF-style: chr3-45496338-C-G. GRCh37 (hg19) VCF-style: chr3-45537830-C-G.
Other names: c.1587C>G, p.Tyr529Ter (NM_001368263.1); short protein forms Y529*.
Identifiers: ClinVar variation 3766120 (VCV003766120.1).